The following is an entry in ClinVar:

NM_002878.4(RAD51D):c.620C>T (p.Ser207Leu)

Genes: RAD51D (RAD51 paralog D; minus strand), RAD51L3-RFFL (RAD51L3-RFFL readthrough; minus strand). Cytogenetic location: 17q12.
Variant type: single nucleotide variant.
Coding change: c.620C>T on transcript NM_002878.4 (MANE Select); coding-DNA position 620, C replaced by T.
Protein change: p.Ser207Leu; replaces serine 207 with leucine.
Molecular consequence: missense variant. On other transcripts: non-coding transcript variant (3).
Genome position (GRCh38, 1-based): chr17:35,103,501, G>A on the plus strand (C>T on the coding strand, the complement: RAD51D is on the minus strand). VCF-style: chr17-35103501-G-A. GRCh37 (hg19) VCF-style: chr17-33430520-G-A.
Other names: c.680C>T, p.Ser227Leu (NM_001142571.2); c.284C>T, p.Ser95Leu (NM_133629.3); c.284C>T (NM_133629.2); short protein forms S207L, S227L, S95L.
Identifiers: ClinVar variation 142102 (VCV000142102.90), dbSNP rs370228071, ClinGen allele CA167404.

ClinVar aggregate classification (germline): Pathogenic/Likely pathogenic. Review status: criteria provided, multiple submitters, no conflicts (2 of 4 stars). 30 submissions from 30 submitters: Pathogenic (10); Likely pathogenic (16). 4 of the submissions do not count toward it. Last evaluated 2026-08-11.

Conditions:
RAD51D-related cancer predisposition. Identifiers: MedGen CN377763, MONDO:0700274.
RAD51D-related disorder. Also called: RAD51D-related condition.
Familial ovarian cancer. Identifiers: MedGen C5679802, MONDO:0016248.
Breast and/or ovarian cancer. Identifiers: MedGen CN221562.
Hereditary cancer-predisposing syndrome. Also called: Neoplastic Syndromes, Hereditary; Tumor predisposition; Hereditary neoplastic syndrome; Hereditary Cancer Syndrome. Identifiers: Orphanet 140162, MedGen C0027672, MeSH D009386, MONDO:0015356.
Hereditary breast ovarian cancer syndrome. Also called: Breast and ovarian cancer; BRCA1- and BRCA2-Associated Hereditary Breast and Ovarian Cancer; Hereditary breast and/or ovarian cancer syndrome; Hereditary breast and ovarian cancer syndrome; Hereditary breast and ovarian cancer; Hereditary breast and ovarian cancer syndrome (HBOC). Identifiers: Orphanet 145, MedGen C0677776, MeSH D061325, MONDO:0003582. Disease mechanism: loss of function.
Breast-ovarian cancer, familial, susceptibility to, 4. Identifiers: Orphanet 145, MedGen C3280345, MONDO:0013669, OMIM 614291.
Malignant tumor of breast. Also called: Malignant breast neoplasm; Cancer breast. Identifiers: MedGen C0006142, MONDO:0007254. Disease mechanism: loss of function.

Allele frequency attached by ClinVar (database versions not stated): gnomAD 0.00002 and 0.00003; ExAC 0.00003; gnomAD exomes 0.00003; TOPMed 0.00004; ESP Exome Variant Server 0.00015.
gnomAD v4.1: 34 of 1,614,032 alleles (0.0021%); highest among the groups gnomAD compares: Middle Eastern, 0.016%; no homozygotes.

Submissions 1 to 7 of 30:

PreventionGenetics, part of Exact Sciences
Classification: Pathogenic for RAD51D-related condition. Last evaluated: 2026-08-11. Review status: criteria provided, single submitter. Criteria: ACMG Guidelines, 2015. Collection method: clinical testing. Allele origin: germline.
Comment: The RAD51D c.620C>T variant is predicted to result in the amino acid substitution p.Ser207Leu. This variant has been reported in multiple individuals with breast and/or ovarian cancer (Loveday et al. 2011. PubMed ID: 21822267; Alenezi et al. 2022. PubMed ID: 35565380; Akbar et al. 2022. PubMed ID: 35710434), peritoneal carcinoma (Wickramanyake et al. 2012. PubMed ID: 22986143), and urothelial carcinoma (Nassar et al. 2020. PubMed ID: 31844177). At PreventionGenetics, this variant has also been observed in multiple individuals with a personal or family history of breast/ovarian cancer, although some of these individuals were also found to have an additional pathogenic variant in the RECQL gene. Although this variant has been shown to co-segregate with ovarian cancer in at least two families and was significantly associated with increased ovarian cancer risk compared to controls; other studies have not found a significant association between this variant and an increased risk of breast cancer (Rivera et al. 2017. PubMed ID: 28646019; Breast Cancer Association Consortium et al. 2021. PubMed ID: 33471991). In vitro experiments found this variant disrupted the accumulation of RAD proteins, prevented protein-protein interactions, and may increase sensitivity to PARP inhibitors (Rivera et al. 2017. PubMed ID: 28646019). This variant is reported in 0.0050% of alleles in individuals of East Asian descent in gnomAD and may be a founder variant in French Canadian populations (Rivera et al. 2017. PubMed ID: 28646019; Alenezi et al. 2022. PubMed ID: 35565380). This variant is interpreted as likely pathogenic/pathogenic in Clinvar (Variation ID: 142102). Taken together, this variant is interpreted as pathogenic, especially in the context of an increased risk of ovarian cancer.

Institute for Genomic Medicine (IGM) Clinical Laboratory, Nationwide Children's Hospital
Classification: Likely pathogenic for RAD51D-related cancer predisposition. Last evaluated: 2026-03-30. Review status: criteria provided, single submitter. Criteria: ACMG Guidelines, 2015. Collection method: clinical testing. Allele origin: germline.
Comment: Well-established functional studies have demonstrated this variant to have a damaging effect on protein function or splicing (ACMG/AMP: PS3_Moderate; PMID:28646019). This variant has been reported at an elevated frequency in affected individuals/in multiple affected individuals in the literature (ACMG/AMP: PS4_Moderate; PMIDs:28646019, 22986143, 26845104, 21822267). This variant is located in a mutational hot spot and/or critical and well-established functional domain (ACMG/AMP: PM1_Supporting; PMID:16717288). This variant has been shown to segregate with disease in multiple affected family members (ACMG/AMP: PP1_Moderate; PMID:28646019). This variant is predicted to alter protein function or structure, or disrupt splicing by multiple in silico tools (ACMG/AMP: PP3).

Labcorp Genetics (formerly Invitae), Labcorp
Classification: Pathogenic for Breast-ovarian cancer, familial, susceptibility to, 4. Last evaluated: 2026-01-20. Review status: criteria provided, single submitter. Criteria: Invitae Variant Classification Sherloc (09022015). Collection method: clinical testing. Allele origin: germline.
Comment: This sequence change replaces serine, which is neutral and polar, with leucine, which is neutral and non-polar, at codon 207 of the RAD51D protein (p.Ser207Leu). This variant is present in population databases (rs370228071, gnomAD 0.005%). This missense change has been observed in individual(s) with ovarian, endometrial cancer, peritoneal carcinoma, and breast cancer (PMID: 21822267, 22986143, 25186627, 26845104, 26976419, 28646019). It has also been observed to segregate with disease in related individuals. ClinVar contains an entry for this variant (Variation ID: 142102). Invitae Evidence Modeling of protein sequence and biophysical properties (such as structural, functional, and spatial information, amino acid conservation, physicochemical variation, residue mobility, and thermodynamic stability) indicates that this missense variant is expected to disrupt RAD51D protein function with a positive predictive value of 80%. Experimental studies have shown that this missense change affects RAD51D function (PMID: 16717288, 28646019). For these reasons, this variant has been classified as Pathogenic.

Variantyx, Inc.
Classification: Likely pathogenic for Breast-ovarian cancer, familial, susceptibility to, 4. Last evaluated: 2026-01-09. Review status: criteria provided, single submitter. Criteria: Variantyx Assertion Criteria 2022. Collection method: clinical testing. Allele origin: germline. Inheritance: Autosomal dominant inheritance. Affected: yes.
Comment: This is a nonsynonymous variant in the RAD51D gene (OMIM: 602954). Pathogenic variants in this gene have been associated with autosomal dominant susceptibility to familial breast and ovarian cancer 4. This variant has been observed to segregate with disease (PMID: 28646019) (PP1). Functional studies have shown that this variant alters RAD51D protein function (PMID: 28646019) (PS3), and multiple computational algorithms predict a deleterious effect for this variant (REVEL score: 0.819) (PP3). Thie variant lies within a known hotspot for pathogenic variants or a well-established critical functional domain of the RAD51D protein (PMID: 16717288, 28646019) (PM1) and has a 0.0053% maximum allele frequency in non-founder control populations. Based on the current evidence, this variant is classified as likely pathogenic for autosomal dominant susceptibility to familial breast and ovarian cancer 4.

Color Diagnostics, LLC DBA Color Health
Classification: Likely pathogenic for Hereditary cancer-predisposing syndrome. Last evaluated: 2025-07-07. Review status: criteria provided, single submitter. Criteria: ACMG Guidelines, 2015. Collection method: clinical testing. Allele origin: germline.
Comment: This missense variant replaces serine with leucine at codon 207 in the highly conserved Walker B motif of the RAD51D protein that is required for ATPase function and XRCC2 binding. Computational prediction suggests that this variant may have deleterious impact on protein structure and function. Functional studies have reported that this variant protein disrupts normal XRCC2 binding and RAD51 foci formation and results in impaired homology-mediated DNA repair in cell-based assays (PMID: 28646019). This variant has been observed in multiple individuals affected with breast cancer, ovarian cancer, endometrial cancer and urothelial carcinoma (PMID: 21822267, 22986143, 24139550, 25186627, 28646019, 31844177, 34433815, 34606182, 35565380, 35710434) and has been reported to segregate with diseases in at least two families (PMID: 28646019). This variant also has been reported in a breast cancer case-control meta-analysis in 3/60466 cases and 1/53461 unaffected individuals (PMID: 33471991Leiden Open Variation Database DB-ID RAD51D_000118). This variant has been identified in 8/282800 chromosomes in the general population by the Genome Aggregation Database (gnomAD). Based on the available evidence, this variant is classified as Likely Pathogenic.

Molecular Pathology, Peter Maccallum Cancer Centre
Classification: Pathogenic for Familial ovarian cancer. Last evaluated: 2025-04-11. Review status: criteria provided, single submitter. Criteria: ACMG Guidelines, 2015. Collection method: clinical testing. Allele origin: germline. Inheritance: Autosomal dominant inheritance.

GeneDx
Classification: Likely pathogenic. Last evaluated: 2025-04-08. Review status: criteria provided, single submitter. Criteria: GeneDx Variant Classification Process June 2021. Collection method: clinical testing. Allele origin: germline. Affected: yes.
Comment: Observed in individuals with primary peritoneal, breast, and/or ovarian cancer and co-segregated with ovarian cancer in at least two families (PMID: 21822267, 22986143, 24139550, 25186627, 26845104, 28646019, 38003901); Published functional studies suggest a damaging effect: impaired homologous recombination activity (PMID: 28646019); In silico analysis supports that this missense variant has a deleterious effect on protein structure/function; Not observed at significant frequency in large population cohorts (gnomAD); Also known as c.680C>T; p.(S227L); This variant is associated with the following publications: (PMID: 16717288, 26845104, 22986143, 21822267, 28646019, 24139550, 26976419, 25186627, 31844177, 31922703, 32322110, 34606182, 34433815, 34298626, 35565380, 34923718, 26057125, 33471991, 34326862, 35710434, 36969410, KwongA2024[article], 38661557, 36969007, 14704354, 21111057, 38003901)